The following is an entry in ClinVar:

NM_001142800.2(EYS):c.4565A>G (p.Asn1522Ser)

Gene: EYS (EGF-like photoreceptor maintenance factor; minus strand). Cytogenetic location: 6q12.
Variant type: single nucleotide variant.
Coding change: c.4565A>G on transcript NM_001142800.2 (MANE Select); coding-DNA position 4565, A replaced by G.
Protein change: p.Asn1522Ser; replaces asparagine 1522 with serine.
Molecular consequence: missense variant.
Genome position (GRCh38, 1-based): chr6:64,591,302, T>C on the plus strand (A>G on the coding strand, the complement: EYS is on the minus strand). VCF-style: chr6-64591302-T-C. GRCh37 (hg19) VCF-style: chr6-65301195-T-C.
Other names: c.4565A>G, p.Asn1522Ser (NM_001292009.2); short protein forms N1522S.
Identifiers: ClinVar variation 853685 (VCV000853685.9), dbSNP rs539577250, ClinGen allele CA3877068.
Genomic context (GRCh38, chr6:64,591,302, plus strand): 5'-TTGATGTTTGTGAGTCTCTGGTTGCTTGAAGCCTCAGTAATAGCCTGATATTCACTGGGA[T>C]TGAAGGCTTTTGTACTGAACCGGTGCAGAGCTGATGAGTTTAAGATGGTTACCTGTTTAG-3'
Protein context (NP_001136272.1, residues 1512-1532): ALHRFSTKAF[Asn1522Ser]PSEYQAITEA

ClinVar aggregate classification (germline): Uncertain significance. Review status: criteria provided, multiple submitters, no conflicts (2 of 4 stars). 4 submissions from 4 submitters: Uncertain significance (3). 1 of the submissions does not count toward it. Last evaluated 2026-02-13.

Conditions:
Retinitis pigmentosa 25 (RP25). Identifiers: Orphanet 791, MedGen C1864446, MONDO:0011272, OMIM 602772.
EYS-related disorder. Also called: EYS-related condition.

Allele frequency attached by ClinVar (database versions not stated): gnomAD exomes 0.00001 and 0.00003; ExAC 0.00005; gnomAD 0.00010 and 0.00011; TOPMed 0.00012; 1000 Genomes Project 30x 0.00016; 1000 Genomes Project 0.00020.
gnomAD v4.1: 33 of 1,551,396 alleles (0.0021%); highest among the groups gnomAD compares: African/African-American, 0.042%; no homozygotes.

Submissions (4):

PreventionGenetics, part of Exact Sciences
Classification: Uncertain significance for EYS-related condition. Last evaluated: 2026-02-13. Review status: criteria provided, single submitter. Criteria: ACMG Guidelines, 2015. Collection method: clinical testing. Allele origin: germline.
Comment: The EYS c.4565A>G variant is predicted to result in the amino acid substitution p.Asn1522Ser. To our knowledge, this variant has not been reported in the literature. This variant is reported in 0.042% of alleles in individuals of African descent in gnomAD. At this time, the clinical significance of this variant is uncertain due to the absence of conclusive functional and genetic evidence.

Labcorp Genetics (formerly Invitae), Labcorp
Classification: Uncertain significance. Last evaluated: 2025-08-24. Review status: criteria provided, single submitter. Criteria: Invitae Variant Classification Sherloc (09022015). Collection method: clinical testing. Allele origin: germline.
Comment: This sequence change replaces asparagine, which is neutral and polar, with serine, which is neutral and polar, at codon 1522 of the EYS protein (p.Asn1522Ser). This variant is present in population databases (rs539577250, gnomAD 0.04%). This variant has not been reported in the literature in individuals affected with EYS-related conditions. ClinVar contains an entry for this variant (Variation ID: 853685). Invitae Evidence Modeling of protein sequence and biophysical properties (such as structural, functional, and spatial information, amino acid conservation, physicochemical variation, residue mobility, and thermodynamic stability) indicates that this missense variant is not expected to disrupt EYS protein function with a negative predictive value of 80%. In summary, the available evidence is currently insufficient to determine the role of this variant in disease. Therefore, it has been classified as a Variant of Uncertain Significance.

Blueprint Genetics
Classification: Uncertain significance. Last evaluated: 2022-11-04. Review status: criteria provided, single submitter. Criteria: ACMG Guidelines, 2015. Collection method: clinical testing. Allele origin: germline.

Natera, Inc.
Classification: Uncertain significance for Retinitis pigmentosa type 25. Last evaluated: 2020-03-10. Review status: no assertion criteria provided. Collection method: clinical testing. Allele origin: germline. Not counted in ClinVar's aggregate classification.